The following is an entry in ClinVar:

ClinVar aggregate classification (germline): Uncertain significance. Review status: criteria provided, multiple submitters, no conflicts (2 of 4 stars). 2 submissions from 2 submitters: Uncertain significance (2). Last evaluated 2025-12-16.

Conditions:
Joubert syndrome. Also called: Familial aplasia of the vermis; JOUBERT-BOLTSHAUSER SYNDROME. Identifiers: Orphanet 475, MedGen C5979921, MONDO:0018772.
Meckel-Gruber syndrome. Also called: DYSENCEPHALIA SPLANCHNOCYSTICA; Dysencephalia splachnocystica; GRUBER SYNDROME. Identifiers: Orphanet 564, MedGen C0265215, MONDO:0018921.
Inborn genetic diseases. Identifiers: MedGen C0950123, MeSH D030342.

Allele frequency attached by ClinVar (database versions not stated): gnomAD exomes below 0.00001.
gnomAD v4.1: 2 of 1,614,178 alleles (0.00012%); highest among the groups gnomAD compares: Non-Finnish European, 0.00017%; no homozygotes.

Submissions (2):

Ambry Genetics
Classification: Uncertain significance for Inborn genetic diseases. Last evaluated: 2025-12-16. Review status: criteria provided, single submitter. Criteria: Ambry Variant Classification Scheme 2023. Collection method: clinical testing. Allele origin: germline.

Labcorp Genetics (formerly Invitae), Labcorp
Classification: Uncertain significance for Joubert syndrome; Meckel-Gruber syndrome. Last evaluated: 2022-06-04. Review status: criteria provided, single submitter. Criteria: Invitae Variant Classification Sherloc (09022015). Collection method: clinical testing. Allele origin: germline.
Comment: This sequence change replaces phenylalanine, which is neutral and non-polar, with cysteine, which is neutral and slightly polar, at codon 102 of the TCTN1 protein (p.Phe102Cys). This variant is not present in population databases (gnomAD no frequency). This variant has not been reported in the literature in individuals affected with TCTN1-related conditions. ClinVar contains an entry for this variant (Variation ID: 655667). Algorithms developed to predict the effect of missense changes on protein structure and function (SIFT, PolyPhen-2, Align-GVGD) all suggest that this variant is likely to be disruptive. In summary, the available evidence is currently insufficient to determine the role of this variant in disease. Therefore, it has been classified as a Variant of Uncertain Significance.

NM_001082538.3(TCTN1):c.305T>G (p.Phe102Cys)

Gene: TCTN1 (tectonic family member 1; plus strand). Cytogenetic location: 12q24.11.
Variant type: single nucleotide variant.
Coding change: c.305T>G on transcript NM_001082538.3 (MANE Select); coding-DNA position 305, T replaced by G.
Protein change: p.Phe102Cys; replaces phenylalanine 102 with cysteine.
Molecular consequence: missense variant. On other transcripts: 5 prime UTR variant (1), non-coding transcript variant (1).
Genome position (GRCh38, 1-based): chr12:110,619,920, T>G. VCF-style: chr12-110619920-T-G. GRCh37 (hg19) VCF-style: chr12-111057725-T-G.
Other names: c.305T>G, p.Phe102Cys (NM_001082537.3, NM_001319680.2, NM_024549.6); c.137T>G, p.Phe46Cys (NM_001173975.3, NM_001319682.3); c.125T>G, p.Phe42Cys (NM_001173976.2); c.-403T>G (NM_001319681.2); short protein forms F102C, F42C, F46C.
Identifiers: ClinVar variation 655667 (VCV000655667.10), dbSNP rs1593225303, ClinGen allele CA386701453.
Genomic context (GRCh38, chr12:110,619,920, plus strand): 5'-TATCCCCAGCACAGTGTGACATCAACTGCTGCTGTGATCCCGACTGCAGCTCCGTGGATT[T>G]CAGTGTCTTTTCTGCCTGCTCAGTTCCAGTTGTCACGTAAGTTTACGTATGACACATGCA-3'
Protein context (NP_001076007.1, residues 92-112): CCDPDCSSVD[Phe102Cys]SVFSACSVPV